The following is an entry in ClinVar:

ClinVar aggregate classification (germline): Uncertain significance (1 of 4 stars; one submission).

Submission:

GeneDx
Classification: Uncertain significance. Last evaluated: 2022-09-25. Review status: criteria provided, single submitter. Criteria: GeneDx Variant Classification Process June 2021. Collection method: clinical testing. Allele origin: germline. Affected: yes.
Comment: Not observed at significant frequency in large population cohorts (gnomAD); In-frame duplication of 4 amino acids in a non-repeat region; Has not been previously published as pathogenic or benign to our knowledge

NM_007118.4(TRIO):c.60_71dup (p.Ala24_Gly25insAlaSerAlaAla)

Gene: TRIO (trio Rho guanine nucleotide exchange factor; plus strand). Cytogenetic location: 5p15.2.
Variant type: Duplication.
Coding change: c.60_71dup on transcript NM_007118.4 (MANE Select); coding-DNA positions 60 to 71, 12 bases duplicated (GGCCAGCGCGGC).
Protein change: p.Ala24_Gly25insAlaSerAlaAla.
Molecular consequence: inframe insertion. On other transcripts: non-coding transcript variant (1).
Genome position (GRCh38, 1-based): chr5:14,143,785-14,143,796, GGCCAGCGCGGC duplicated; duplicating any 12 consecutive bases within chr5:14,143,779-14,143,796 gives the same sequence; the c. name uses the placement nearest the transcript's 3' end. VCF-style (leftmost placement, unchanged base first): chr5-14143778-C-CCGCGGCGGCCAG. GRCh37 (hg19) VCF-style: chr5-14143887-C-CCGCGGCGGCCAG.
Identifiers: ClinVar variation 2446156 (VCV002446156.1), dbSNP rs1581221664, ClinGen allele CA2580072108.